The following is an entry in ClinVar:

NM_000051.4(ATM):c.441A>G (p.Lys147=)

Gene: ATM (ATM serine/threonine kinase; plus strand). Cytogenetic location: 11q22.3.
Variant type: single nucleotide variant.
Coding change: c.441A>G on transcript NM_000051.4 (MANE Select); coding-DNA position 441, A replaced by G.
Protein change: p.Lys147=; no amino-acid change (lysine 147 retained).
Molecular consequence: synonymous variant.
Genome position (GRCh38, 1-based): chr11:108,235,779, A>G. VCF-style: chr11-108235779-A-G. GRCh37 (hg19) VCF-style: chr11-108106506-A-G.
Other names: c.441A>G, p.Lys147= (NM_001351834.2).
Identifiers: ClinVar variation 524440 (VCV000524440.8), dbSNP rs1555059372, ClinGen allele CA476670403.

ClinVar aggregate classification (germline): Benign/Likely benign. Review status: criteria provided, multiple submitters, no conflicts (2 of 4 stars). 2 submissions from 2 submitters: Benign (1); Likely benign (1). Last evaluated 2024-04-19.

Conditions:
Ataxia-telangiectasia syndrome (AT). Also called: ATAXIA-TELANGIECTASIA, COMPLEMENTATION GROUP A; ATAXIA-TELANGIECTASIA, FRESNO VARIANT; Ataxia-telangiectasia; Ataxia-telangiectasia, complementation group D; AT, COMPLEMENTATION GROUP C; Ataxia-telangiectasia, complementation group E. Identifiers: Orphanet 100, MedGen C0004135, MONDO:0008840, OMIM 208900.
Familial cancer of breast. Also called: hereditary breast carcinoma; BREAST CANCER, FAMILIAL; Hereditary breast cancer. Identifiers: Orphanet 227535, MedGen C0346153, MONDO:0016419, OMIM 114480. Disease mechanism: loss of function.

Submissions (2):

Myriad Genetics, Inc.
Classification: Benign for Familial cancer of breast. Last evaluated: 2024-04-19. Review status: criteria provided, single submitter. Criteria: Myriad Autosomal Dominant, Autosomal Recessive and X-Linked Classification Criteria (2023). Collection method: clinical testing. Allele origin: unknown.
Comment: This variant is considered benign. This variant is a silent/synonymous amino acid change and it is not expected to impact splicing.

Labcorp Genetics (formerly Invitae), Labcorp
Classification: Likely benign for Ataxia-telangiectasia syndrome. Last evaluated: 2017-08-09. Review status: criteria provided, single submitter. Criteria: Invitae Variant Classification Sherloc (09022015). Collection method: clinical testing. Allele origin: germline.